The following is an entry in ClinVar:

ClinVar aggregate classification (germline): Pathogenic (1 of 4 stars; one submission).

Conditions:
Microcephaly, normal intelligence and immunodeficiency (NBS). Also called: BERLIN BREAKAGE SYNDROME; Immunodeficiency, microcephaly with normal intelligence; IMMUNODEFICIENCY, MICROCEPHALY, AND CHROMOSOMAL INSTABILITY; SEEMANOVA SYNDROME II; Ataxia telangiectasia variant V1; Nijmegen breakage syndrome. Identifiers: Orphanet 647, MedGen C0398791, MONDO:0009623, OMIM 251260.

Submission:

Labcorp Genetics (formerly Invitae), Labcorp
Classification: Pathogenic for Microcephaly, normal intelligence and immunodeficiency. Last evaluated: 2021-10-18. Review status: criteria provided, single submitter. Criteria: Invitae Variant Classification Sherloc (09022015). Collection method: clinical testing. Allele origin: germline.
Comment: For these reasons, this variant has been classified as Pathogenic. This variant has not been reported in the literature in individuals affected with NBN-related conditions. This variant is not present in population databases (gnomAD no frequency). This sequence change creates a premature translational stop signal (p.Ile33Cysfs*5) in the NBN gene. It is expected to result in an absent or disrupted protein product. Loss-of-function variants in NBN are known to be pathogenic (PMID: 9590180, 16415040).

Literature cited by the submitters: PubMed 9590180; PubMed 16415040.

NM_002485.5(NBN):c.93_96dup (p.Ile33fs)

Gene: NBN (nibrin; minus strand). Cytogenetic location: 8q21.3.
Variant type: Duplication.
Coding change: c.93_96dup on transcript NM_002485.5 (MANE Select); coding-DNA positions 93 to 96, 4 bases duplicated (TGCC; older notation c.93_96dupTGCC).
Protein change: p.Ile33fs; shifts the reading frame from isoleucine 33.
Molecular consequence: frameshift variant. On other transcripts: 5 prime UTR variant (1).
Genome position (GRCh38, 1-based): chr8:89,982,797-89,982,800, GGCA duplicated on the plus strand (TGCC on the coding strand, the reverse complement: NBN is on the minus strand). VCF-style (leftmost placement, unchanged base first): chr8-89982796-T-TGGCA. GRCh37 (hg19) VCF-style: chr8-90995024-T-TGGCA.
Other names: c.-204_-201dup (NM_001024688.3); short protein forms I33fs.
Identifiers: ClinVar variation 1458916 (VCV001458916.6), dbSNP rs2129925355, ClinGen allele CA2573143427.
Genomic context (GRCh38, chr8:89,982,796, plus strand): 5'-AAAAGTTAGCAGTTAACACAGCATGATTTCGGCTGATCGACTGATCATTTTCAATCAGAA[T>TGGCA]GGCACAGTTTTTCCTTCCAACAACGTACTCAACGCCAGTCAAAAGTCTGTATGGTTCTCC-3'